The following is an entry in ClinVar:

ClinVar aggregate classification (germline): Uncertain significance. Review status: criteria provided, single submitter (1 of 4 stars). 2 submissions from 2 submitters: Uncertain significance (1). 1 of the submissions does not count toward it. Last evaluated 2022-07-19.

Conditions:
USH2A-related disorder. Also called: USH2A-related disorders; USH2A-related condition. Identifiers: MedGen CN239332.

Submissions (2):

Labcorp Genetics (formerly Invitae), Labcorp
Classification: Uncertain significance. Last evaluated: 2022-07-19. Review status: criteria provided, single submitter. Criteria: Invitae Variant Classification Sherloc (09022015). Collection method: clinical testing. Allele origin: germline.
Comment: This sequence change replaces tyrosine, which is neutral and polar, with cysteine, which is neutral and slightly polar, at codon 2993 of the USH2A protein (p.Tyr2993Cys). This variant is not present in population databases (gnomAD no frequency). This variant has not been reported in the literature in individuals affected with USH2A-related conditions. Algorithms developed to predict the effect of missense changes on protein structure and function (SIFT, PolyPhen-2, Align-GVGD) all suggest that this variant is likely to be disruptive. In summary, the available evidence is currently insufficient to determine the role of this variant in disease. Therefore, it has been classified as a Variant of Uncertain Significance.

PreventionGenetics, part of Exact Sciences
Classification: Uncertain significance for USH2A-related condition. Last evaluated: 2024-01-05. Review status: no assertion criteria provided. Collection method: clinical testing. Allele origin: germline. Not counted in ClinVar's aggregate classification.
Comment: The USH2A c.8978A>G variant is predicted to result in the amino acid substitution p.Tyr2993Cys. To our knowledge, this variant has not been reported in the literature or in a large population database, indicating this variant is rare. At this time, the clinical significance of this variant is uncertain due to the absence of conclusive functional and genetic evidence.

NM_206933.4(USH2A):c.8978A>G (p.Tyr2993Cys)

Gene: USH2A (usherin; minus strand). Cytogenetic location: 1q41.
Variant type: single nucleotide variant.
Coding change: c.8978A>G on transcript NM_206933.4 (MANE Select); coding-DNA position 8978, A replaced by G.
Protein change: p.Tyr2993Cys; replaces tyrosine 2993 with cysteine.
Molecular consequence: missense variant.
Genome position (GRCh38, 1-based): chr1:215,845,901, T>C on the plus strand (A>G on the coding strand, the complement: USH2A is on the minus strand). VCF-style: chr1-215845901-T-C. GRCh37 (hg19) VCF-style: chr1-216019243-T-C.
Other names: c.8978A>G (NM_206933.2); short protein forms Y2993C.
Identifiers: ClinVar variation 1896089 (VCV001896089.4), dbSNP rs2464611592, ClinGen allele CA344840913.